The following is an entry in ClinVar:

ClinVar aggregate classification (germline): Uncertain significance (1 of 4 stars; one submission).

Conditions:
Exostoses, multiple, type 2 (EXT2). Also called: Hereditary Multiple Osteochondromatosis, Type II; EXOSTOSES, MULTIPLE, TYPE II. Identifiers: Orphanet 321, MedGen C1851413, MONDO:0007586, OMIM 133701.

Allele frequency attached by ClinVar (database versions not stated): gnomAD exomes 0.00001.
gnomAD v4.1: 28 of 1,614,068 alleles (0.0017%); highest among the groups gnomAD compares: Non-Finnish European, 0.0024%; no homozygotes.

Submission:

Labcorp Genetics (formerly Invitae), Labcorp
Classification: Uncertain significance for Exostoses, multiple, type 2. Last evaluated: 2025-04-08. Review status: criteria provided, single submitter. Criteria: Invitae Variant Classification Sherloc (09022015). Collection method: clinical testing. Allele origin: germline.
Comment: This sequence change replaces alanine, which is neutral and non-polar, with proline, which is neutral and non-polar, at codon 681 of the EXT2 protein (p.Ala681Pro). This variant is present in population databases (rs771936445, gnomAD 0.002%). This variant has not been reported in the literature in individuals affected with EXT2-related conditions. ClinVar contains an entry for this variant (Variation ID: 1491326). Invitae Evidence Modeling of protein sequence and biophysical properties (such as structural, functional, and spatial information, amino acid conservation, physicochemical variation, residue mobility, and thermodynamic stability) has been performed for this missense variant. However, the output from this modeling did not meet the statistical confidence thresholds required to predict the impact of this variant on EXT2 protein function. In summary, the available evidence is currently insufficient to determine the role of this variant in disease. Therefore, it has been classified as a Variant of Uncertain Significance.

NM_207122.2(EXT2):c.2041G>C (p.Ala681Pro)

Gene: EXT2 (exostosin glycosyltransferase 2; plus strand). Cytogenetic location: 11p11.2.
Variant type: single nucleotide variant.
Coding change: c.2041G>C on transcript NM_207122.2 (MANE Select); coding-DNA position 2041, G replaced by C.
Protein change: p.Ala681Pro; replaces alanine 681 with proline.
Molecular consequence: missense variant.
Genome position (GRCh38, 1-based): chr11:44,244,171, G>C. VCF-style: chr11-44244171-G-C. GRCh37 (hg19) VCF-style: chr11-44265721-G-C.
Other names: c.2140G>C, p.Ala714Pro (NM_000401.3); c.2071G>C, p.Ala691Pro (NM_001178083.3); c.2041G>C, p.Ala681Pro (NM_001389628.1, NM_001389630.1); short protein forms A691P, A714P, A681P.
Identifiers: ClinVar variation 1491326 (VCV001491326.6), dbSNP rs771936445, ClinGen allele CA221473175.
Genomic context (GRCh38, chr11:44,244,171, plus strand): 5'-CAAACCCCTCCTCCCCACCTCCTCTCCAAATCCCACAGGTCAGAGTGCATCAACAAGTTT[G>C]CTTCAGTCTTCGGGACCATGCCTCTCAAGGTGGTGGAACACCGAGCTGACCCTGTCCTGT-3'
Protein context (NP_997005.1, residues 671-691): VERSECINKF[Ala681Pro]SVFGTMPLKV